The following is an entry in ClinVar:

NM_002472.3(MYH8):c.5463+5G>C

Genes: MYH8 (myosin heavy chain 8; minus strand), MYHAS (myosin heavy chain gene cluster antisense RNA; plus strand), LOC126862493 (BRD4-independent group 4 enhancer GRCh37_chr17:10295275-10296474; plus strand). Cytogenetic location: 17p13.1.
Variant type: single nucleotide variant.
Coding change: c.5463+5G>C on transcript NM_002472.3 (MANE Select); 5 bases into the intron after coding-DNA position 5463, G replaced by C.
Molecular consequence: intron variant.
Genome position (GRCh38, 1-based): chr17:10,392,826, C>G on the plus strand (G>C on the coding strand, the complement: MYH8 is on the minus strand). VCF-style: chr17-10392826-C-G. GRCh37 (hg19) VCF-style: chr17-10296143-C-G.
Identifiers: ClinVar variation 4987908 (VCV004987908.1).

ClinVar aggregate classification (germline): Uncertain significance (1 of 4 stars; one submission).

Conditions:
MYH8-related disorder. Also called: MYH8-related condition.

gnomAD v4.1: 2 of 1,614,012 alleles (0.00012%); highest among the groups gnomAD compares: African/African-American, 0.0013%; no homozygotes.

Submission:

PreventionGenetics, part of Exact Sciences
Classification: Uncertain significance for MYH8-related condition. Last evaluated: 2025-11-20. Review status: criteria provided, single submitter. Criteria: ACMG Guidelines, 2015. Collection method: clinical testing. Allele origin: germline.
Comment: The MYH8 c.5463+5G>C variant is predicted to interfere with splicing. To our knowledge, this variant has not been reported in the literature. This variant is reported in 0.0062% of alleles in individuals of African descent in gnomAD. At this time, the clinical significance of this variant is uncertain due to the absence of conclusive functional and genetic evidence.